The following is an entry in ClinVar:

ClinVar aggregate classification (germline): Uncertain significance (1 of 4 stars; one submission).

Conditions:
Epileptic encephalopathy. Identifiers: MedGen C0543888, HP:0200134.

Allele frequency attached by ClinVar (database versions not stated): gnomAD 0.00004; gnomAD exomes 0.00004 and 0.00023; ExAC 0.00012; TOPMed 0.00003.
gnomAD v4.1: 332 of 1,579,248 alleles (0.021%); highest among the groups gnomAD compares: Non-Finnish European, 0.028%; no homozygotes.

Submission:

Labcorp Genetics (formerly Invitae), Labcorp
Classification: Uncertain significance for Epileptic encephalopathy. Last evaluated: 2023-08-04. Review status: criteria provided, single submitter. Criteria: Invitae Variant Classification Sherloc (09022015). Collection method: clinical testing. Allele origin: germline.
Comment: In summary, the available evidence is currently insufficient to determine the role of this variant in disease. Therefore, it has been classified as a Variant of Uncertain Significance. Algorithms developed to predict the effect of missense changes on protein structure and function output the following: SIFT: "Not Available"; PolyPhen-2: "Benign"; Align-GVGD: "Not Available". The phenylalanine amino acid residue is found in multiple mammalian species, which suggests that this missense change does not adversely affect protein function. ClinVar contains an entry for this variant (Variation ID: 647006). This variant has not been reported in the literature in individuals affected with FASN-related conditions. This variant is present in population databases (rs770233064, gnomAD 0.008%). This sequence change replaces serine, which is neutral and polar, with phenylalanine, which is neutral and non-polar, at codon 730 of the FASN protein (p.Ser730Phe).

NM_004104.5(FASN):c.2189C>T (p.Ser730Phe)

Gene: FASN (fatty acid synthase; minus strand). Cytogenetic location: 17q25.3.
Variant type: single nucleotide variant.
Coding change: c.2189C>T on transcript NM_004104.5 (MANE Select); coding-DNA position 2189, C replaced by T.
Protein change: p.Ser730Phe; replaces serine 730 with phenylalanine.
Molecular consequence: missense variant.
Genome position (GRCh38, 1-based): chr17:82,089,084, G>A on the plus strand (C>T on the coding strand, the complement: FASN is on the minus strand). VCF-style: chr17-82089084-G-A. GRCh37 (hg19) VCF-style: chr17-80046960-G-A.
Other names: short protein forms S730F.
Identifiers: ClinVar variation 647006 (VCV000647006.8), dbSNP rs770233064, ClinGen allele CA8852873.